The following is an entry in ClinVar:

ClinVar aggregate classification (germline): Pathogenic (1 of 4 stars; one submission).

Conditions:
Androgen resistance syndrome (AIS). Also called: Androgen insensitivity, complete; DIHYDROTESTOSTERONE RECEPTOR DEFICIENCY; Androgen insensitivity syndrome due to coactivator deficiency; Androgen insensitivity; TESTICULAR FEMINIZATION SYNDROME; ANDROGEN RECEPTOR DEFICIENCY. Identifiers: Orphanet 754, Orphanet 99429, MedGen C0039585, MONDO:0019154, OMIM 300068. Disease mechanism: loss of function.
Kennedy disease (SMAX1). Also called: KENNEDY SPINAL AND BULBAR MUSCULAR ATROPHY; SPINAL AND BULBAR MUSCULAR ATROPHY, X-LINKED 1; Spinal and Bulbar Muscular Atrophy. Identifiers: Orphanet 481, MedGen C1839259, MONDO:0010735, OMIM 313200.

Submission:

Labcorp Genetics (formerly Invitae), Labcorp
Classification: Pathogenic for Kennedy disease; Androgen resistance syndrome. Last evaluated: 2018-02-27. Review status: criteria provided, single submitter. Criteria: Invitae Variant Classification Sherloc (09022015). Collection method: clinical testing. Allele origin: germline.
Comment: Donor and acceptor splice site variants typically lead to a loss of protein function (PMID: 16199547), and loss-of-function variants in AR are known to be pathogenic (PMID: 19463997). For these reasons, this variant has been classified as Pathogenic. This sequence change affects a donor splice site in intron 5 of the AR gene. It is expected to disrupt RNA splicing and likely results in an absent or disrupted protein product. This variant is not present in population databases (ExAC no frequency). This variant has not been reported in the literature in individuals with AR-related disease. Algorithms developed to predict the effect of sequence changes on RNA splicing suggest that this variant may disrupt the consensus splice site, but this prediction has not been confirmed by published transcriptional studies. A different variant affecting this nucleotide (c.2318+1G>A) has been determined to be pathogenic (PMID: 22799610). This suggests that this nucleotide is important for normal RNA splicing, and that other variants at this position may also be pathogenic.

Literature cited by the submitters: PubMed 16199547; PubMed 19463997; PubMed 22799610.

NM_000044.6(AR):c.2318+1G>C

Gene: AR (androgen receptor; plus strand). Cytogenetic location: Xq12.
Variant type: single nucleotide variant.
Coding change: c.2318+1G>C on transcript NM_000044.6 (MANE Select); the canonical splice donor site of the intron after coding-DNA position 2318, G replaced by C.
Molecular consequence: splice donor variant.
Genome position (GRCh38, 1-based): chrX:67,717,623, G>C. VCF-style: chrX-67717623-G-C. GRCh37 (hg19) VCF-style: chrX-66937465-G-C.
Other names: c.722+1G>C (NM_001011645.3).
Identifiers: ClinVar variation 580553 (VCV000580553.9), dbSNP rs1569314508, ClinGen allele CA413424812.